The following is an entry in ClinVar:

ClinVar aggregate classification (germline): Uncertain significance (1 of 4 stars; one submission).

Allele frequency attached by ClinVar (database versions not stated): ExAC 0.00001; gnomAD exomes 0.00001.
gnomAD v4.1: 9 of 1,614,034 alleles (0.00056%); highest among the groups gnomAD compares: East Asian, 0.0022%; no homozygotes.

Submission:

Labcorp Genetics (formerly Invitae), Labcorp
Classification: Uncertain significance. Last evaluated: 2022-09-07. Review status: criteria provided, single submitter. Criteria: Invitae Variant Classification Sherloc (09022015). Collection method: clinical testing. Allele origin: germline.
Comment: This sequence change replaces alanine, which is neutral and non-polar, with valine, which is neutral and non-polar, at codon 440 of the LBR protein (p.Ala440Val). This variant is present in population databases (rs778378796, gnomAD 0.01%). This variant has not been reported in the literature in individuals affected with LBR-related conditions. Algorithms developed to predict the effect of missense changes on protein structure and function are either unavailable or do not agree on the potential impact of this missense change (SIFT: "Tolerated"; PolyPhen-2: "Probably Damaging"; Align-GVGD: "Class C0"). In summary, the available evidence is currently insufficient to determine the role of this variant in disease. Therefore, it has been classified as a Variant of Uncertain Significance.

NM_002296.4(LBR):c.1319C>T (p.Ala440Val)

Gene: LBR (lamin B receptor; minus strand). Cytogenetic location: 1q42.12.
Variant type: single nucleotide variant.
Coding change: c.1319C>T on transcript NM_002296.4 (MANE Select); coding-DNA position 1319, C replaced by T.
Protein change: p.Ala440Val; replaces alanine 440 with valine.
Molecular consequence: missense variant.
Genome position (GRCh38, 1-based): chr1:225,406,828, G>A on the plus strand (C>T on the coding strand, the complement: LBR is on the minus strand). VCF-style: chr1-225406828-G-A. GRCh37 (hg19) VCF-style: chr1-225594530-G-A.
Other names: c.1319C>T, p.Ala440Val (NM_194442.3); short protein forms A440V.
Identifiers: ClinVar variation 1923793 (VCV001923793.5), dbSNP rs778378796, ClinGen allele CA1417168.